The following is an entry in ClinVar:

ClinVar aggregate classification (germline): Uncertain significance. Review status: criteria provided, multiple submitters, no conflicts (2 of 4 stars). 2 submissions from 2 submitters: Uncertain significance (2). Last evaluated 2024-03-07.

Submissions (2):

Blueprint Genetics
Classification: Uncertain significance. Last evaluated: 2024-03-07. Review status: criteria provided, single submitter. Criteria: ACMG Guidelines, 2015. Collection method: clinical testing. Allele origin: germline.

Labcorp Genetics (formerly Invitae), Labcorp
Classification: Uncertain significance. Last evaluated: 2024-03-04. Review status: criteria provided, single submitter. Criteria: Invitae Variant Classification Sherloc (09022015). Collection method: clinical testing. Allele origin: germline.
Comment: This sequence change replaces valine, which is neutral and non-polar, with methionine, which is neutral and non-polar, at codon 1123 of the POLA1 protein (p.Val1123Met). This variant is not present in population databases (gnomAD no frequency). This variant has not been reported in the literature in individuals affected with POLA1-related conditions. Advanced modeling of protein sequence and biophysical properties (such as structural, functional, and spatial information, amino acid conservation, physicochemical variation, residue mobility, and thermodynamic stability) performed at Invitae indicates that this missense variant is not expected to disrupt POLA1 protein function with a negative predictive value of 80%. In summary, the available evidence is currently insufficient to determine the role of this variant in disease. Therefore, it has been classified as a Variant of Uncertain Significance.

NM_001330360.2(POLA1):c.3385G>A (p.Val1129Met)

Gene: POLA1 (DNA polymerase alpha 1, catalytic subunit; plus strand). Cytogenetic location: Xp22.11.
Variant type: single nucleotide variant.
Coding change: c.3385G>A on transcript NM_001330360.2 (MANE Select); coding-DNA position 3385, G replaced by A.
Protein change: p.Val1129Met; replaces valine 1129 with methionine.
Molecular consequence: missense variant. On other transcripts: non-coding transcript variant (2).
Genome position (GRCh38, 1-based): chrX:24,815,067, G>A. VCF-style: chrX-24815067-G-A. GRCh37 (hg19) VCF-style: chrX-24833184-G-A.
Other names: c.3310G>A, p.Val1104Met (NM_001378303.1); c.3367G>A, p.Val1123Met (NM_016937.4); short protein forms V1129M, V1104M, V1123M.
Identifiers: ClinVar variation 3711091 (VCV003711091.3).
Genomic context (GRCh38, chrX:24,815,067, plus strand): 5'-CAAAGCCGGGACACTATAGTGGAAAACATTCAGAAGAGGCTGATAGAAATTGGAGAAAAT[G>A]TGCTAAATGGCAGTGTCCCAGTGAGCCAGTTTGAAATTAACAAGGTAAATGTAGCATTTA-3'
Protein context (NP_001317289.1, residues 1119-1139): QKRLIEIGEN[Val1129Met]LNGSVPVSQF